The following is an entry in ClinVar:

NM_006180.6(NTRK2):c.1902G>A (p.Glu634=)

Gene: NTRK2 (neurotrophic receptor tyrosine kinase 2; plus strand). Cytogenetic location: 9q21.33.
Variant type: single nucleotide variant.
Coding change: c.1902G>A on transcript NM_006180.6 (MANE Select); coding-DNA position 1902, G replaced by A.
Protein change: p.Glu634=; no amino-acid change (glutamic acid 634 retained).
Molecular consequence: synonymous variant.
Genome position (GRCh38, 1-based): chr9:84,948,599, G>A. VCF-style: chr9-84948599-G-A. GRCh37 (hg19) VCF-style: chr9-87563514-G-A.
Other names: c.1902G>A (NM_006180.4); c.1854G>A, p.Glu618= (NM_001018064.3, NM_001369532.1, NM_001369533.1); c.1818G>A, p.Glu606= (NM_001369534.1); c.1386G>A, p.Glu462= (NM_001369535.1); c.1434G>A, p.Glu478= (NM_001369536.1).
Identifiers: ClinVar variation 1654442 (VCV001654442.10), dbSNP rs1382979828, ClinGen allele CA465896140.

ClinVar aggregate classification (germline): Likely benign. Review status: criteria provided, single submitter (1 of 4 stars). 2 submissions from 2 submitters: Likely benign (1). 1 of the submissions does not count toward it. Last evaluated 2025-05-09.

Conditions:
NTRK2-related disorder. Also called: NTRK2-related condition.

Allele frequency attached by ClinVar (database versions not stated): gnomAD exomes below 0.00001 and 0.00001.
gnomAD v4.1: 16 of 1,614,128 alleles (0.00099%); highest among the groups gnomAD compares: Admixed American, 0.0017%; no homozygotes.

Submissions (2):

Labcorp Genetics (formerly Invitae), Labcorp
Classification: Likely benign. Last evaluated: 2025-05-09. Review status: criteria provided, single submitter. Criteria: Invitae Variant Classification Sherloc (09022015). Collection method: clinical testing. Allele origin: germline.

PreventionGenetics, part of Exact Sciences
Classification: Likely benign for NTRK2-related condition. Last evaluated: 2023-07-11. Review status: no assertion criteria provided. Collection method: clinical testing. Allele origin: germline. Not counted in ClinVar's aggregate classification.
Comment: This variant is classified as likely benign based on ACMG/AMP sequence variant interpretation guidelines (Richards et al. 2015 PMID: 25741868, with internal and published modifications).